The following is an entry in ClinVar:

NM_017636.4(TRPM4):c.2732C>T (p.Thr911Met)

Gene: TRPM4 (transient receptor potential cation channel subfamily M member 4; plus strand). Cytogenetic location: 19q13.33.
Variant type: single nucleotide variant.
Coding change: c.2732C>T on transcript NM_017636.4 (MANE Select); coding-DNA position 2732, C replaced by T.
Protein change: p.Thr911Met; replaces threonine 911 with methionine.
Molecular consequence: missense variant.
Genome position (GRCh38, 1-based): chr19:49,200,386, C>T. VCF-style: chr19-49200386-C-T. GRCh37 (hg19) VCF-style: chr19-49703643-C-T.
Other names: c.2297C>T, p.Thr766Met (NM_001195227.2); c.2387C>T, p.Thr796Met (NM_001321281.2); c.1124C>T, p.Thr375Met (NM_001321282.2); c.2210C>T, p.Thr737Met (NM_001321283.2); c.1670C>T, p.Thr557Met (NM_001321285.2); short protein forms T911M, T557M, T766M, T796M, T737M, T375M.
Identifiers: ClinVar variation 487616 (VCV000487616.9), dbSNP rs148006852, ClinGen allele CA9569627.

ClinVar aggregate classification (germline): Uncertain significance. Review status: criteria provided, multiple submitters, no conflicts (2 of 4 stars). 4 submissions from 4 submitters: Uncertain significance (3). 1 of the submissions does not count toward it. Last evaluated 2025-11-10.

Conditions:
Progressive familial heart block type IB (PFHB1B). Identifiers: Orphanet 871, MedGen C1970298, MONDO:0011474, OMIM 604559.
Erythrokeratodermia variabilis et progressiva 6. Identifiers: MedGen C5193144, MONDO:0032801, OMIM 618531.
Cardiovascular phenotype. Identifiers: MedGen CN230736.
Wolff-Parkinson-White pattern. Also called: WPW SYNDROME; Auriculoventricular accessory pathway syndrome; False bundle branch block syndrome; Anomalous ventricular excitation syndrome. Identifiers: MedGen C0043202, MONDO:0008685, OMIM 194200, HP:0001716.

Allele frequency attached by ClinVar (database versions not stated): gnomAD exomes 0.00004; gnomAD 0.00005 and 0.00006; ExAC 0.00006; TOPMed 0.00006; ESP Exome Variant Server 0.00015.
gnomAD v4.1: 24 of 1,609,496 alleles (0.0015%); highest among the groups gnomAD compares: African/African-American, 0.017%; no homozygotes.

Submissions (4):

Labcorp Genetics (formerly Invitae), Labcorp
Classification: Uncertain significance for Progressive familial heart block type IB. Last evaluated: 2025-11-10. Review status: criteria provided, single submitter. Criteria: Invitae Variant Classification Sherloc (09022015). Collection method: clinical testing. Allele origin: germline.
Comment: This sequence change replaces threonine, which is neutral and polar, with methionine, which is neutral and non-polar, at codon 911 of the TRPM4 protein (p.Thr911Met). This variant is present in population databases (rs148006852, gnomAD 0.02%). This variant has not been reported in the literature in individuals affected with TRPM4-related conditions. ClinVar contains an entry for this variant (Variation ID: 487616). An algorithm developed to predict the effect of missense changes on protein structure and function (PolyPhen-2) suggests that this variant is likely to be disruptive. In summary, the available evidence is currently insufficient to determine the role of this variant in disease. Therefore, it has been classified as a Variant of Uncertain Significance.

Ambry Genetics
Classification: Uncertain significance for Cardiovascular phenotype. Last evaluated: 2023-04-11. Review status: criteria provided, single submitter. Criteria: Ambry Variant Classification Scheme 2023. Collection method: clinical testing. Allele origin: germline.
Comment: The p.T911M variant (also known as c.2732C>T), located in coding exon 18 of the TRPM4 gene, results from a C to T substitution at nucleotide position 2732. The threonine at codon 911 is replaced by methionine, an amino acid with similar properties. This variant co-occurred with variants in other cardiac-related genes in an individual with Wolff-Parkinson-White syndrome (Coban-Akdemir ZH et al. Am J Med Genet A, 2020 Jun;182:1387-1399). This amino acid position is not well conserved in available vertebrate species. In addition, the in silico prediction for this alteration is inconclusive. Since supporting evidence is limited at this time, the clinical significance of this alteration remains unclear.

Fulgent Genetics
Classification: Uncertain significance for Progressive familial heart block type IB; Erythrokeratodermia variabilis et progressiva 6. Last evaluated: 2021-10-19. Review status: criteria provided, single submitter. Criteria: ACMG Guidelines, 2015. Collection method: clinical testing. Allele origin: unknown.

Lupski Lab, Baylor-Hopkins CMG, Baylor College of Medicine
Classification: Uncertain significance for Wolff-Parkinson-White pattern. Last evaluated: 2017-07-14. Review status: no assertion criteria provided. Collection method: research. Allele origin: unknown. Affected: yes. Observed: 1 variant allele. Study: Candidate_variants_in_patients_with_ Wolff-Parkinson-White Syndrome. Not counted in ClinVar's aggregate classification.

Literature cited by the submitters: PubMed 32233023 (cited by Ambry Genetics).